The following is an entry in ClinVar:

ClinVar aggregate classification (germline): Conflicting classifications of pathogenicity. Review status: criteria provided, conflicting classifications (1 of 4 stars). 4 submissions from 4 submitters: Uncertain significance (1); Likely benign (3). Last evaluated 2023-07-07.

Conditions:
Breast-ovarian cancer, familial, susceptibility to, 1 (BROVCA1). Also called: BRCA1 Hereditary Breast and Ovarian Cancer; OVARIAN CANCER, SUSCEPTIBILITY TO. Identifiers: Orphanet 145, MedGen C2676676, MONDO:0011450, OMIM 604370. Disease mechanism: loss of function.
Hereditary breast ovarian cancer syndrome. Also called: Hereditary breast and ovarian cancer syndrome; Breast and ovarian cancer; Hereditary breast and ovarian cancer syndrome (HBOC); Hereditary breast and/or ovarian cancer syndrome; BRCA1- and BRCA2-Associated Hereditary Breast and Ovarian Cancer; Hereditary breast and ovarian cancer. Identifiers: Orphanet 145, MedGen C0677776, MeSH D061325, MONDO:0003582. Disease mechanism: loss of function.

Allele frequency attached by ClinVar (database versions not stated): TOPMed 0.00001.

Submissions (5):

KCCC/NGS Laboratory, Kuwait Cancer Control Center
Classification: Likely benign for Breast-ovarian cancer, familial, susceptibility to, 1. Last evaluated: 2023-07-07. Review status: criteria provided, single submitter. Criteria: ACMG Guidelines, 2015. Collection method: clinical testing. Allele origin: germline. Affected: yes.

All of Us Research Program, National Institutes of Health
Classification: Likely benign for Breast-ovarian cancer, familial, susceptibility to, 1. Last evaluated: 2023-06-26. Review status: criteria provided, single submitter. Criteria: ACMG Guidelines, 2015. Collection method: clinical testing. Allele origin: germline. Inheritance: Autosomal dominant inheritance. Observed: 1 variant allele, 1 heterozygote.
Comment: This study involves interpretation of variants in research participants for the purpose of population health screening. Participant phenotype was not available at the time of variant classification. Additional details can be found in publication PMID: 35346344, PMCID: PMC8962531

Labcorp Genetics (formerly Invitae), Labcorp
Classification: Uncertain significance for Hereditary breast ovarian cancer syndrome. Last evaluated: 2021-05-29. Review status: criteria provided, single submitter. Criteria: Invitae Variant Classification Sherloc (09022015). Collection method: clinical testing. Allele origin: germline.
Comment: Nucleotide substitutions within the consensus splice site are a relatively common cause of aberrant splicing (PMID: 17576681, 9536098). Algorithms developed to predict the effect of sequence changes on RNA splicing suggest that this variant is not likely to affect RNA splicing, but this prediction has not been confirmed by published transcriptional studies. This sequence change falls in intron 19 of the BRCA1 gene. It does not directly change the encoded amino acid sequence of the BRCA1 protein. It affects a nucleotide within the consensus splice site of the intron. This variant is not present in population databases (ExAC no frequency). This variant has not been reported in the literature in individuals with BRCA1-related conditions. ClinVar contains an entry for this variant (Variation ID: 389935). Experimental studies have shown that this variant does not substantially affect BRCA1 protein function (PMID: 30209399). In summary, the available evidence is currently insufficient to determine the role of this variant in disease. Therefore, it has been classified as a Variant of Uncertain Significance.

GeneDx
Classification: Likely benign. Last evaluated: 2016-10-10. Review status: criteria provided, single submitter. Criteria: GeneDx Variant Classification (06012015). Collection method: clinical testing. Allele origin: germline. Affected: yes.
Comment: This variant is considered likely benign or benign based on one or more of the following criteria: it is a conservative change, it occurs at a poorly conserved position in the protein, it is predicted to be benign by multiple in silico algorithms, and/or has population frequency not consistent with disease.

Brotman Baty Institute, University of Washington
No classification provided (evidence only). Condition: Breast-ovarian cancer, familial 1. Review status: no classification provided. Collection method: in vitro. Allele origin: not applicable. Functional consequence: functionally_normal. Not counted in ClinVar's aggregate classification.
ClinVar note: "not provided" was previously submitted as the classification for the variant. However, the classification appeared to be based only on an observation of functional data so it was converted to no classification on 2025-07-30.

Literature cited by the submitters: PubMed 17576681 (cited by Labcorp Genetics (formerly Invitae), Labcorp); PubMed 9536098 (cited by Labcorp Genetics (formerly Invitae), Labcorp); PubMed 30209399 (cited by Labcorp Genetics (formerly Invitae), Labcorp).

NM_007294.4(BRCA1):c.5277+6G>T

Gene: BRCA1 (BRCA1 DNA repair associated; minus strand). Cytogenetic location: 17q21.31.
Variant type: single nucleotide variant.
Coding change: c.5277+6G>T on transcript NM_007294.4 (MANE Select); 6 bases into the intron after coding-DNA position 5277, G replaced by T.
Molecular consequence: intron variant.
Genome position (GRCh38, 1-based): chr17:43,057,046, C>A on the plus strand (G>T on the coding strand, the complement: BRCA1 is on the minus strand). VCF-style: chr17-43057046-C-A. GRCh37 (hg19) VCF-style: chr17-41209063-C-A.
Other names: c.1824+6G>T (NM_001408458.1, NM_001408461.1, NM_001408464.1 and 7 more transcripts); c.4386+6G>T (NM_001407967.1); c.4896+6G>T (NM_001407959.1); c.5010+6G>T (NM_001407931.1, NM_001407932.1, NM_001407928.1 and 4 more transcripts); c.5133+6G>T (NM_001407747.1, NM_001407745.1, NM_001407737.1 and 21 more transcripts); c.4893+6G>T (NM_001407962.1, NM_001407960.1); c.1464+6G>T (NM_001408512.1); c.1587+6G>T (NM_001408510.1); and 72 more.
Identifiers: ClinVar variation 389935 (VCV000389935.16), dbSNP rs1057523590, ClinGen allele CA16608433.